The following is an entry in ClinVar:

NM_032043.3(BRIP1):c.3050C>A (p.Pro1017Gln)

Gene: BRIP1 (BRCA1 interacting DNA helicase 1; minus strand). Cytogenetic location: 17q23.2.
Variant type: single nucleotide variant.
Coding change: c.3050C>A on transcript NM_032043.3 (MANE Select); coding-DNA position 3050, C replaced by A.
Protein change: p.Pro1017Gln; replaces proline 1017 with glutamine.
Molecular consequence: missense variant.
Genome position (GRCh38, 1-based): chr17:61,683,996, G>T on the plus strand (C>A on the coding strand, the complement: BRIP1 is on the minus strand). VCF-style: chr17-61683996-G-T. GRCh37 (hg19) VCF-style: chr17-59761357-G-T.
Other names: short protein forms P1017Q.
Identifiers: ClinVar variation 5033399 (VCV005033399.1).
Genomic context (GRCh38, chr17:61,683,996, plus strand): 5'-TTGAAACGGGGAGGACTAGAGGCACTATTCTCTGATGACCCGAGCTCAGGTGTTGCCTTC[G>T]GTATTTTACCAGTAAAATACTGTCCCAAAGAATTAAAGCTTGACCAGCTAACTCTCTTTG-3'
Protein context (NP_114432.2, residues 1007-1027): SLGQYFTGKI[Pro1017Gln]KATPELGSSE

ClinVar aggregate classification (germline): Uncertain significance (1 of 4 stars; one submission).

Conditions:
Hereditary cancer-predisposing syndrome. Also called: Neoplastic Syndromes, Hereditary; Tumor predisposition; Hereditary neoplastic syndrome; Hereditary Cancer Syndrome. Identifiers: Orphanet 140162, MedGen C0027672, MeSH D009386, MONDO:0015356.

Submission:

Ambry Genetics
Classification: Uncertain significance for Hereditary cancer-predisposing syndrome. Last evaluated: 2026-07-06. Review status: criteria provided, single submitter. Criteria: Ambry Variant Classification Scheme 2023. Collection method: clinical testing. Allele origin: germline.
Comment: The p.P1017Q variant (also known as c.3050C>A), located in coding exon 19 of the BRIP1 gene, results from a C to A substitution at nucleotide position 3050. The proline at codon 1017 is replaced by glutamine, an amino acid with similar properties. This amino acid position is conserved. In addition, this alteration is predicted to be tolerated by in silico analysis. Based on the available evidence, the clinical significance of this variant remains unclear.